The following is an entry in ClinVar:

NM_017636.4(TRPM4):c.2802C>T (p.Leu934=)

Gene: TRPM4 (transient receptor potential cation channel subfamily M member 4; plus strand). Cytogenetic location: 19q13.33.
Variant type: single nucleotide variant.
Coding change: c.2802C>T on transcript NM_017636.4 (MANE Select); coding-DNA position 2802, C replaced by T.
Protein change: p.Leu934=; no amino-acid change (leucine 934 retained).
Molecular consequence: synonymous variant.
Genome position (GRCh38, 1-based): chr19:49,200,634, C>T. VCF-style: chr19-49200634-C-T. GRCh37 (hg19) VCF-style: chr19-49703891-C-T.
Other names: c.2367C>T, p.Leu789= (NM_001195227.2); c.2457C>T, p.Leu819= (NM_001321281.2); c.1194C>T, p.Leu398= (NM_001321282.2); c.2280C>T, p.Leu760= (NM_001321283.2); c.1740C>T, p.Leu580= (NM_001321285.2); c.2802C>T (NM_017636.3).
Identifiers: ClinVar variation 2415248 (VCV002415248.8), dbSNP rs1375956947, ClinGen allele CA508103861.

ClinVar aggregate classification (germline): Uncertain significance. Review status: criteria provided, multiple submitters, no conflicts (2 of 4 stars). 2 submissions from 2 submitters: Uncertain significance (2). Last evaluated 2025-08-08.

Conditions:
Cardiovascular phenotype. Identifiers: MedGen CN230736.
Progressive familial heart block type IB (PFHB1B). Identifiers: Orphanet 871, MedGen C1970298, MONDO:0011474, OMIM 604559.

Allele frequency attached by ClinVar (database versions not stated): TOPMed below 0.00001.
gnomAD v4.1: 25 of 1,613,724 alleles (0.0015%); highest among the groups gnomAD compares: Non-Finnish European, 0.002%; no homozygotes.

Submissions (2):

Ambry Genetics
Classification: Uncertain significance for Cardiovascular phenotype. Last evaluated: 2025-08-08. Review status: criteria provided, single submitter. Criteria: Ambry Variant Classification Scheme 2023. Collection method: clinical testing. Allele origin: germline.
Comment: The c.2802C>T variant (also known as p.L934L), located in coding exon 19 of the TRPM4 gene, results from a C to T substitution at nucleotide position 2802. This nucleotide substitution does not change the amino acid at codon 934. This nucleotide position is well conserved in available vertebrate species. In silico splice site analysis predicts that this alteration may result in the creation or strengthening of a novel splice acceptor site. Based on the available evidence, the clinical significance of this variant remains unclear.

Labcorp Genetics (formerly Invitae), Labcorp
Classification: Uncertain significance for Progressive familial heart block type IB. Last evaluated: 2023-06-27. Review status: criteria provided, single submitter. Criteria: Invitae Variant Classification Sherloc (09022015). Collection method: clinical testing. Allele origin: germline.
Comment: This variant is present in population databases (no rsID available, gnomAD 0.0009%). This variant has not been reported in the literature in individuals affected with TRPM4-related conditions. ClinVar contains an entry for this variant (Variation ID: 2415248). Algorithms developed to predict the effect of sequence changes on RNA splicing suggest that this variant may create or strengthen a splice site. In summary, the available evidence is currently insufficient to determine the role of this variant in disease. Therefore, it has been classified as a Variant of Uncertain Significance. This sequence change affects codon 934 of the TRPM4 mRNA. It is a 'silent' change, meaning that it does not change the encoded amino acid sequence of the TRPM4 protein.